The following is an entry in ClinVar:

ClinVar aggregate classification (germline): Pathogenic (1 of 4 stars; one submission).

Conditions:
Inborn genetic diseases. Identifiers: MedGen C0950123, MeSH D030342.

Submission:

Ambry Genetics
Classification: Pathogenic for Inborn genetic diseases. Last evaluated: 2020-03-30. Review status: criteria provided, single submitter. Criteria: Ambry Variant Classification Scheme 2023. Collection method: clinical testing. Allele origin: germline.
Comment: The alteration results in a premature stop codon: _x000D_ _x000D_ The c.1910dupG (p.C637Wfs*6) alteration, located in exon 6 (coding exon 1) of the AHDC1 gene, results from a duplication of G at position 1910, causing a translational frameshift with a predicted alternate stop codon after 6 amino acids. This alteration is expected to result in loss of function by premature protein truncation or nonsense-mediated mRNA decay. The alteration is not observed in population databases: _x000D_ _x000D_ Based on data from the Genome Aggregation Database (gnomAD), the AHDC1 c.1910dupG alteration was not observed, with coverage at this position. The amino acid is located in a functionally important protein domain:_x000D_ _x000D_ The p.C637WFS*6 amino acid is located in the AT-hook motif which is essential for the PDZ binding domain (Yang, 2015). Based on the available evidence, this alteration is classified as pathogenic.

Literature cited by the submitters: PubMed 24791903; PubMed 27148574; PubMed 30152016; PubMed 30729726.

NM_001371928.1(AHDC1):c.1910dup (p.Cys637fs)

Gene: AHDC1 (AT-hook DNA binding motif containing 1; minus strand). Cytogenetic location: 1p36.11.
Variant type: Duplication.
Coding change: c.1910dup on transcript NM_001371928.1 (MANE Select); coding-DNA position 1910, one base duplicated (G; older notation c.1910dupG).
Protein change: p.Cys637fs; shifts the reading frame from cysteine 637.
Molecular consequence: frameshift variant.
Genome position (GRCh38, 1-based): chr1:27,550,206, C duplicated on the plus strand (G on the coding strand, the reverse complement: AHDC1 is on the minus strand). VCF-style (leftmost placement, unchanged base first): chr1-27550205-G-GC. GRCh37 (hg19) VCF-style: chr1-27876716-G-GC.
Other names: c.1910dup, p.Cys637fs (NM_001029882.3); short protein forms C637fs.
Identifiers: ClinVar variation 985616 (VCV000985616.4), dbSNP rs2019459021, ClinGen allele CA1139656039.
Genomic context (GRCh38, chr1:27,550,205, plus strand): 5'-GTGGGAGATGCTCTGGGTGTCGGGGGCCTGGTGCACCGACTCCGGCTCACTGGGTGTCCA[G>GC]CAGCGGGGCGGTGAGCACCGTCCAGCGCACTGGCTCTGGCGGTTCAGGAAGGCCAGCTTG-3'